The following is an entry in ClinVar:

NM_001287491.2(TET3):c.2725C>T (p.Arg909Trp)

Gene: TET3 (tet methylcytosine dioxygenase 3; plus strand). Cytogenetic location: 2p13.1.
Variant type: single nucleotide variant.
Coding change: c.2725C>T on transcript NM_001287491.2 (MANE Select); coding-DNA position 2725, C replaced by T.
Protein change: p.Arg909Trp; replaces arginine 909 with tryptophan.
Molecular consequence: missense variant.
Genome position (GRCh38, 1-based): chr2:74,087,875, C>T. VCF-style: chr2-74087875-C-T. GRCh37 (hg19) VCF-style: chr2-74315002-C-T.
Other names: c.2446C>T, p.Arg816Trp (NM_001366022.1); short protein forms R816W, R909W.
Identifiers: ClinVar variation 3342998 (VCV003342998.1).

ClinVar aggregate classification (germline): Uncertain significance (1 of 4 stars; one submission).

Submission:

GeneDx
Classification: Uncertain significance. Last evaluated: 2023-04-07. Review status: criteria provided, single submitter. Criteria: GeneDx Variant Classification Process June 2021. Collection method: clinical testing. Allele origin: germline. Affected: yes.
Comment: Not observed at significant frequency in large population cohorts (gnomAD); In silico analysis supports that this missense variant has a deleterious effect on protein structure/function; Has not been previously published as pathogenic or benign to our knowledge